The following is an entry in ClinVar:

ClinVar aggregate classification (germline): Pathogenic (1 of 4 stars; one submission).

Conditions:
Breast-ovarian cancer, familial, susceptibility to, 1 (BROVCA1). Also called: BRCA1 Hereditary Breast and Ovarian Cancer; OVARIAN CANCER, SUSCEPTIBILITY TO. Identifiers: Orphanet 145, MedGen C2676676, MONDO:0011450, OMIM 604370. Disease mechanism: loss of function.

Submission:

Myriad Genetics, Inc.
Classification: Pathogenic for Breast-ovarian cancer, familial, susceptibility to, 1. Last evaluated: 2023-10-19. Review status: criteria provided, single submitter. Criteria: Myriad Autosomal Dominant, Autosomal Recessive and X-Linked Classification Criteria (2023). Collection method: clinical testing. Allele origin: unknown.
Comment: This variant is considered pathogenic. This variant creates a frameshift predicted to result in premature protein truncation.

NM_007294.4(BRCA1):c.4381dup (p.Ser1461fs)

Gene: BRCA1 (BRCA1 DNA repair associated; minus strand). Cytogenetic location: 17q21.31.
Variant type: Duplication.
Coding change: c.4381dup on transcript NM_007294.4 (MANE Select); coding-DNA position 4381, one base duplicated (A; older notation c.4381dupA).
Protein change: p.Ser1461fs; shifts the reading frame from serine 1461.
Molecular consequence: frameshift variant. On other transcripts: intron variant (3).
Genome position (GRCh38, 1-based): chr17:43,076,591, T duplicated on the plus strand (A on the coding strand, the reverse complement: BRCA1 is on the minus strand). VCF-style (leftmost placement, unchanged base first): chr17-43076590-C-CT. GRCh37 (hg19) VCF-style: chr17-41228607-C-CT.
Other names: c.4447dup, p.Ser1483fs (NM_001407582.1, NM_001407581.1); c.4444dup, p.Ser1482fs (NM_001407583.1, NM_001407585.1, NM_001407587.1 and 1 more transcripts); c.4441dup, p.Ser1481fs (NM_001407590.1, NM_001407591.1); c.4381dup, p.Ser1461fs (NM_001407593.1, NM_001407594.1, NM_001407596.1 and 8 more transcripts); c.4378dup, p.Ser1460fs (NM_001407610.1, NM_001407611.1, NM_001407612.1 and 17 more transcripts); c.4375dup, p.Ser1459fs (NM_001407627.1, NM_001407628.1, NM_001407629.1 and 14 more transcripts); c.4366dup, p.Ser1456fs (NM_001407647.1); c.4324dup, p.Ser1442fs (NM_001407648.1); and 72 more; short protein forms S1164fs, S1165fs, S1292fs, S1332fs, S1333fs, S1334fs, S1348fs, S1349fs.
Identifiers: ClinVar variation 2673987 (VCV002673987.1), dbSNP rs2551689269, ClinGen allele CA2695201337.